The following is an entry in ClinVar:

NM_001371986.1(UNC80):c.2281G>A (p.Gly761Arg)

Gene: UNC80 (unc-80 subunit of NALCN channel complex; plus strand). Cytogenetic location: 2q34.
Variant type: single nucleotide variant.
Coding change: c.2281G>A on transcript NM_001371986.1 (MANE Select); coding-DNA position 2281, G replaced by A.
Protein change: p.Gly761Arg; replaces glycine 761 with arginine.
Molecular consequence: missense variant.
Genome position (GRCh38, 1-based): chr2:209,820,629, G>A. VCF-style: chr2-209820629-G-A. GRCh37 (hg19) VCF-style: chr2-210685353-G-A.
Other names: c.2281G>A, p.Gly761Arg (NM_032504.2, NM_182587.4); short protein forms G761R.
Identifiers: ClinVar variation 928694 (VCV000928694.7), dbSNP rs930093689, ClinGen allele CA64669595.
Genomic context (GRCh38, chr2:209,820,629, plus strand): 5'-GGAGGAGAAGAAGGAGGAGGTGGAGATGGAGGAGGTGGAGGAGGTGATGGAGGAGGAGGT[G>A]GAGGAGGTGGAGGCGGCCCTTATGAGAAGAATGATAAGAACCAAGAGAAGGTATGACTGA-3'
Protein context (NP_001358915.1, residues 751-771): GGGGGDGGGG[Gly761Arg]GGGGGPYEKN

ClinVar aggregate classification (germline): Uncertain significance. Review status: criteria provided, multiple submitters, no conflicts (2 of 4 stars). 4 submissions from 4 submitters: Uncertain significance (4). Last evaluated 2026-05-28.

Conditions:
Inborn genetic diseases. Identifiers: MedGen C0950123, MeSH D030342.

Allele frequency attached by ClinVar (database versions not stated): gnomAD 0.00001; gnomAD exomes 0.00002 and 0.00012; TOPMed 0.00009.
gnomAD v4.1: 26 of 1,550,684 alleles (0.0017%); highest among the groups gnomAD compares: Admixed American, 0.045%; no homozygotes.

Submissions (4):

GeneDx
Classification: Uncertain significance. Last evaluated: 2026-05-28. Review status: criteria provided, single submitter. Criteria: GeneDx Variant Classification Process June 2021. Collection method: clinical testing. Allele origin: germline.
Comment: In silico analysis suggests that this missense variant does not alter protein structure/function; Has not been previously published as pathogenic or benign to our knowledge

Ambry Genetics
Classification: Uncertain significance for Inborn genetic diseases. Last evaluated: 2024-09-04. Review status: criteria provided, single submitter. Criteria: Ambry Variant Classification Scheme 2023. Collection method: clinical testing. Allele origin: germline.

Labcorp Genetics (formerly Invitae), Labcorp
Classification: Uncertain significance. Last evaluated: 2022-06-22. Review status: criteria provided, single submitter. Criteria: Invitae Variant Classification Sherloc (09022015). Collection method: clinical testing. Allele origin: germline.
Comment: This sequence change replaces glycine, which is neutral and non-polar, with arginine, which is basic and polar, at codon 761 of the UNC80 protein (p.Gly761Arg). The frequency data for this variant in the population databases is considered unreliable, as metrics indicate poor data quality at this position in the gnomAD database. This variant has not been reported in the literature in individuals affected with UNC80-related conditions. ClinVar contains an entry for this variant (Variation ID: 928694). Algorithms developed to predict the effect of missense changes on protein structure and function are either unavailable or do not agree on the potential impact of this missense change (SIFT: "Not Available"; PolyPhen-2: "Probably Damaging"; Align-GVGD: "Not Available"). In summary, the available evidence is currently insufficient to determine the role of this variant in disease. Therefore, it has been classified as a Variant of Uncertain Significance.

Women's Health and Genetics/Laboratory Corporation of America, LabCorp
Classification: Uncertain significance. Last evaluated: 2019-03-13. Review status: criteria provided, single submitter. Criteria: LabCorp Variant Classification Summary - May 2015. Collection method: clinical testing. Allele origin: germline.
Comment: Variant summary: UNC80 c.2281G>A (p.Gly761Arg) results in a non-conservative amino acid change in the encoded protein sequence. Three of four in-silico tools predict a damaging effect of the variant on protein function. The variant allele was found at a frequency of 0.0001 in 178994 control chromosomes, predominantly observed within the Latino subpopulation at a frequency of 0.00073 (18/24774) in the gnomAD database; however this variant is indicated to be located in a low complexity region (LCR) region, which may indicate a low-quality site, therefore these data may not be reliable. To our knowledge, no occurrence of c.2281G>A in individuals affected with IHPRF2 (Infantile hypotonia with psychomotor retardation and characteristic facies 2) and no experimental evidence demonstrating its impact on protein function have been reported. No clinical diagnostic laboratories have submitted clinical-significance assessments for this variant to ClinVar after 2014. Based on the evidence outlined above, the variant was classified as uncertain significance.